The following is an entry in ClinVar:

NM_024537.4(CARS2):c.27C>T (p.Gly9=)

Genes: CARS2 (cysteinyl-tRNA synthetase 2, mitochondrial; minus strand), LOC130010127 (ATAC-STARR-seq lymphoblastoid silent region 5509; plus strand). Cytogenetic location: 13q34.
Variant type: single nucleotide variant.
Coding change: c.27C>T on transcript NM_024537.4 (MANE Select); coding-DNA position 27, C replaced by T.
Protein change: p.Gly9=; no amino-acid change (glycine 9 retained).
Molecular consequence: synonymous variant. On other transcripts: non-coding transcript variant (1), intron variant (1).
Genome position (GRCh38, 1-based): chr13:110,706,067, G>A on the plus strand (C>T on the coding strand, the complement: CARS2 is on the minus strand). VCF-style: chr13-110706067-G-A. GRCh37 (hg19) VCF-style: chr13-111358414-G-A.
Other names: c.27C>T, p.Gly9= (NM_001352253.3); c.-776+304C>T (NM_001352252.2).
Identifiers: ClinVar variation 1431310 (VCV001431310.8), dbSNP rs1270397975, ClinGen allele CA484982117.

ClinVar aggregate classification (germline): Uncertain significance (1 of 4 stars; one submission).

Conditions:
Combined oxidative phosphorylation defect type 27. Also called: Combined oxidative phosphorylation deficiency 27. Identifiers: Orphanet 477774, MedGen C5567608, MONDO:0014728, OMIM 616672.

gnomAD v4.1: 7 of 1,348,934 alleles (0.00052%); highest among the groups gnomAD compares: Middle Eastern, 0.021%; no homozygotes.

Submission:

Labcorp Genetics (formerly Invitae), Labcorp
Classification: Uncertain significance for Combined oxidative phosphorylation defect type 27. Last evaluated: 2024-02-23. Review status: criteria provided, single submitter. Criteria: Invitae Variant Classification Sherloc (09022015). Collection method: clinical testing. Allele origin: germline.
Comment: This sequence change affects codon 9 of the CARS2 mRNA. It is a 'silent' change, meaning that it does not change the encoded amino acid sequence of the CARS2 protein. This variant is not present in population databases (gnomAD no frequency). This variant has not been reported in the literature in individuals affected with CARS2-related conditions. ClinVar contains an entry for this variant (Variation ID: 1431310). Algorithms developed to predict the effect of sequence changes on RNA splicing suggest that this variant may create or strengthen a splice site. In summary, the available evidence is currently insufficient to determine the role of this variant in disease. Therefore, it has been classified as a Variant of Uncertain Significance.